The following is an entry in ClinVar:

ClinVar aggregate classification (germline): Uncertain significance (1 of 4 stars; one submission).

Conditions:
Epilepsy, familial focal, with variable foci 3 (FFEVF3). Identifiers: MedGen C4310708, MONDO:0014925, OMIM 617118.

Submission:

Labcorp Genetics (formerly Invitae), Labcorp
Classification: Uncertain significance for Epilepsy, familial focal, with variable foci 3. Last evaluated: 2019-08-14. Review status: criteria provided, single submitter. Criteria: Invitae Variant Classification Sherloc (09022015). Collection method: clinical testing. Allele origin: germline.
Comment: A gross duplication of the genomic region encompassing the full coding sequence of the NPRL3 gene has been identified. The boundaries of this event are unknown as the duplication extends beyond the assayed region for this gene and therefore may encompass additional genes. As the precise location of this duplication is unknown, it may be in tandem or it may be located elsewhere in the genome. This variant has not been reported in the literature in individuals with NPRL3-related disease. In summary, the available evidence is currently insufficient to determine the role of this variant in disease. Therefore, it has been classified as a Variant of Uncertain Significance.

NC_000016.9:g.(?_136684)_(188286_?)dup

Gene: NPRL3 (NPR3 like, GATOR1 complex subunit; minus strand). Cytogenetic location: 16p13.3.
Variant type: Duplication.
Identifiers: ClinVar variation 583978 (VCV000583978.3).